The following is an entry in ClinVar:

NM_001365536.1(SCN9A):c.4978A>G (p.Ile1660Val)

Genes: SCN9A (sodium voltage-gated channel alpha subunit 9; minus strand), SCN1A-AS1 (SCN1A and SCN9A antisense RNA 1; plus strand). Cytogenetic location: 2q24.3.
Variant type: single nucleotide variant.
Coding change: c.4978A>G on transcript NM_001365536.1 (MANE Select); coding-DNA position 4978, A replaced by G.
Protein change: p.Ile1660Val; replaces isoleucine 1660 with valine.
Molecular consequence: missense variant. On other transcripts: non-coding transcript variant (1).
Genome position (GRCh38, 1-based): chr2:166,199,661, T>C on the plus strand (A>G on the coding strand, the complement: SCN9A is on the minus strand). VCF-style: chr2-166199661-T-C. GRCh37 (hg19) VCF-style: chr2-167056171-T-C.
Other names: c.4945A>G, p.Ile1649Val (NM_002977.4); short protein forms I1660V, I1649V.
Identifiers: ClinVar variation 2072992 (VCV002072992.4), dbSNP rs779325771, ClinGen allele CA349054998.
Genomic context (GRCh38, chr2:166,199,661, plus strand): 5'-TGAACATGTCATTAATTCCATCTTCCTTTTTAACATAGGCAAAGTTGGACATTCCAAAGA[T>C]GGCGTAGATGAACATGACCAGGAAGAGCAGGAGGCCGATGTTAAACAACGCAGGAAGGGA-3'
Protein context (NP_001352465.1, residues 1650-1670): LLFLVMFIYA[Ile1660Val]FGMSNFAYVK

ClinVar aggregate classification (germline): Uncertain significance (1 of 4 stars; one submission).

Conditions:
Neuropathy, hereditary sensory and autonomic, type 2A (HSAN2A). Also called: WNK1-Related HSAN2 (HSAN2A); ACROOSTEOLYSIS, GIACCAI TYPE; ACROOSTEOLYSIS, NEUROGENIC; NEUROPATHY, CONGENITAL SENSORY; NEUROPATHY, HEREDITARY SENSORY RADICULAR, AUTOSOMAL RECESSIVE; NEUROPATHY, HEREDITARY SENSORY, TYPE IIA. Identifiers: Orphanet 970, MedGen C2752089, MONDO:0024309, OMIM 201300.
Generalized epilepsy with febrile seizures plus, type 7 (GEFSP7). Also called: GEFS+, TYPE 7. Identifiers: Orphanet 36387, MedGen C2751778, MONDO:0013470, OMIM 613863.

Submission:

Labcorp Genetics (formerly Invitae), Labcorp
Classification: Uncertain significance for Neuropathy, hereditary sensory and autonomic, type 2A; Generalized epilepsy with febrile seizures plus, type 7. Last evaluated: 2022-10-14. Review status: criteria provided, single submitter. Criteria: Invitae Variant Classification Sherloc (09022015). Collection method: clinical testing. Allele origin: germline.
Comment: This variant has not been reported in the literature in individuals affected with SCN9A-related conditions. This variant is not present in population databases (gnomAD no frequency). This sequence change replaces isoleucine, which is neutral and non-polar, with valine, which is neutral and non-polar, at codon 1649 of the SCN9A protein (p.Ile1649Val). In summary, the available evidence is currently insufficient to determine the role of this variant in disease. Therefore, it has been classified as a Variant of Uncertain Significance. Advanced modeling of protein sequence and biophysical properties (such as structural, functional, and spatial information, amino acid conservation, physicochemical variation, residue mobility, and thermodynamic stability) performed at Invitae indicates that this missense variant is not expected to disrupt SCN9A protein function.